The following is an entry in ClinVar:

NM_001040108.2(MLH3):c.3808G>A (p.Glu1270Lys)

Gene: MLH3 (mutL homolog 3; minus strand). Cytogenetic location: 14q24.3.
Variant type: single nucleotide variant.
Coding change: c.3808G>A on transcript NM_001040108.2 (MANE Select); coding-DNA position 3808, G replaced by A.
Protein change: p.Glu1270Lys; replaces glutamic acid 1270 with lysine.
Molecular consequence: missense variant.
Genome position (GRCh38, 1-based): chr14:75,032,087, C>T on the plus strand (G>A on the coding strand, the complement: MLH3 is on the minus strand). VCF-style: chr14-75032087-C-T. GRCh37 (hg19) VCF-style: chr14-75498790-C-T.
Other names: c.3736G>A, p.Glu1246Lys (NM_014381.3); short protein forms E1246K, E1270K.
Identifiers: ClinVar variation 4055457 (VCV004055457.1).

ClinVar aggregate classification (germline): Uncertain significance (1 of 4 stars; one submission).

Submission:

Ambry Genetics
Classification: Uncertain significance. Last evaluated: 2025-03-22. Review status: criteria provided, single submitter. Criteria: Ambry Variant Classification Scheme 2023. Collection method: clinical testing. Allele origin: germline.
Comment: The p.E1270K variant (also known as c.3808G>A), located in coding exon 7 of the MLH3 gene, results from a G to A substitution at nucleotide position 3808. The glutamic acid at codon 1270 is replaced by lysine, an amino acid with similar properties. This amino acid position is conserved. In addition, the in silico prediction for this alteration is inconclusive. Based on the available evidence, the clinical significance of this variant remains unclear.